The following is an entry in ClinVar:

NM_030665.4(RAI1):c.4021C>T (p.Leu1341Phe)

Gene: RAI1 (retinoic acid induced 1; plus strand). Cytogenetic location: 17p11.2.
Variant type: single nucleotide variant.
Coding change: c.4021C>T on transcript NM_030665.4 (MANE Select); coding-DNA position 4021, C replaced by T.
Protein change: p.Leu1341Phe; replaces leucine 1341 with phenylalanine.
Molecular consequence: missense variant.
Genome position (GRCh38, 1-based): chr17:17,796,969, C>T. VCF-style: chr17-17796969-C-T. GRCh37 (hg19) VCF-style: chr17-17700283-C-T.
Other names: short protein forms L1341F.
Identifiers: ClinVar variation 2784058 (VCV002784058.3), dbSNP rs1298466011, ClinGen allele CA398555556.

ClinVar aggregate classification (germline): Uncertain significance (1 of 4 stars; one submission).

Allele frequency attached by ClinVar (database versions not stated): gnomAD exomes below 0.00001.
gnomAD v4.1: 1 of 1,613,834 alleles (0.000062%); highest among the groups gnomAD compares: Non-Finnish European, 0.000085%; no homozygotes.

Submission:

Labcorp Genetics (formerly Invitae), Labcorp
Classification: Uncertain significance. Last evaluated: 2023-03-25. Review status: criteria provided, single submitter. Criteria: Invitae Variant Classification Sherloc (09022015). Collection method: clinical testing. Allele origin: germline.
Comment: Advanced modeling of protein sequence and biophysical properties (such as structural, functional, and spatial information, amino acid conservation, physicochemical variation, residue mobility, and thermodynamic stability) has been performed at Invitae for this missense variant, however the output from this modeling did not meet the statistical confidence thresholds required to predict the impact of this variant on RAI1 protein function. In summary, the available evidence is currently insufficient to determine the role of this variant in disease. Therefore, it has been classified as a Variant of Uncertain Significance. This sequence change replaces leucine, which is neutral and non-polar, with phenylalanine, which is neutral and non-polar, at codon 1341 of the RAI1 protein (p.Leu1341Phe). This variant is present in population databases (no rsID available, gnomAD 0.0009%). This variant has not been reported in the literature in individuals affected with RAI1-related conditions.